The following is an entry in ClinVar:

ClinVar aggregate classification (germline): Pathogenic (1 of 4 stars; one submission).

Conditions:
Methylmalonic aciduria, cblB type (MACB). Also called: METHYLMALONIC ACIDURIA, VITAMIN B12-RESPONSIVE, DUE TO DEFECT IN SYNTHESIS OF ADENOSYLCOBALAMIN, cblB TYPE; Vitamin B12-responsive methylmalonic acidemia type cblB; Methylmalonic acidemia cblB type. Identifiers: Orphanet 28, Orphanet 79311, MedGen C1855102, MONDO:0009614, OMIM 251110.

Submission:

Labcorp Genetics (formerly Invitae), Labcorp
Classification: Pathogenic for Methylmalonic aciduria, cblB type. Last evaluated: 2021-06-01. Review status: criteria provided, single submitter. Criteria: Invitae Variant Classification Sherloc (09022015). Collection method: clinical testing. Allele origin: germline.
Comment: For these reasons, this variant has been classified as Pathogenic. This variant has not been reported in the literature in individuals with MMAB-related conditions. This variant results in the deletion of part of exon one (c.-6424_57del) of the MMAB gene. It is expected to result in an absent or disrupted protein product. Loss-of-function variants in MMAB are known to be pathogenic (PMID: 15781192, 16410054).

Literature cited by the submitters: PubMed 15781192; PubMed 16410054.

NC_000012.11:g.(?_110011228)_(110017709_?)del

Genes: MVK (mevalonate kinase; plus strand), MMAB (metabolism of cobalamin associated B; minus strand). Cytogenetic location: 12q24.11.
Variant type: Deletion.
Identifiers: ClinVar variation 1454443 (VCV001454443.4).